The following is an entry in ClinVar:

ClinVar aggregate classification (germline): Uncertain significance. Review status: criteria provided, multiple submitters, no conflicts (2 of 4 stars). 3 submissions from 3 submitters: Uncertain significance (3). Last evaluated 2024-12-27.

Conditions:
Cardiovascular phenotype. Identifiers: MedGen CN230736.
Carpal tunnel syndrome 1 (CTS1). Also called: Carpal tunnel syndrome, familial. Identifiers: MedGen C5779776, MONDO:0020730, OMIM 115430.
Hyperthyroxinemia, dystransthyretinemic. Also called: EUTHRYROIDAL HYPERTHYROXINEMIA 2; HYPERTHYROXINEMIA, DYSPREALBUMINEMIC. Identifiers: MedGen C2750824, MONDO:0007785, OMIM 145680.
Amyloidosis, hereditary systemic 1 (AMYLD1). Also called: Hereditary oculoleptomeningeal amyloid angiopathy; Familial Transthyretin Amyloidosis; AMYLOID CARDIOMYOPATHY; Familial amyloid polyneuropathy; Transthyretin Amyloidosis; Hereditary Transthyretin Amyloidosis. Identifiers: Orphanet 85447, Orphanet 85451, MedGen C2751492, MONDO:0971004, OMIM 105210.

Allele frequency attached by ClinVar (database versions not stated): gnomAD exomes 0.00001 and 0.00003; TOPMed 0.00001; ExAC 0.00001; gnomAD 0.00001.
gnomAD v4.1: 9 of 1,614,064 alleles (0.00056%); highest among the groups gnomAD compares: Admixed American, 0.015%; no homozygotes.

Submissions (3):

Labcorp Genetics (formerly Invitae), Labcorp
Classification: Uncertain significance for Amyloidosis, hereditary systemic 1. Last evaluated: 2024-12-27. Review status: criteria provided, single submitter. Criteria: Invitae Variant Classification Sherloc (09022015). Collection method: clinical testing. Allele origin: germline.
Comment: This sequence change replaces tyrosine, which is neutral and polar, with histidine, which is basic and polar, at codon 136 of the TTR protein (p.Tyr136His). This variant is present in population databases (rs766909913, gnomAD 0.02%). This missense change has been observed in individual(s) with amyloidosis (PMID: 29970125). This variant is also known as Y116H. ClinVar contains an entry for this variant (Variation ID: 582458). Invitae Evidence Modeling of protein sequence and biophysical properties (such as structural, functional, and spatial information, amino acid conservation, physicochemical variation, residue mobility, and thermodynamic stability) indicates that this missense variant is expected to disrupt TTR protein function with a positive predictive value of 95%. In summary, the available evidence is currently insufficient to determine the role of this variant in disease. Therefore, it has been classified as a Variant of Uncertain Significance.

Fulgent Genetics
Classification: Uncertain significance for Amyloidosis, hereditary systemic 1; Carpal tunnel syndrome 1; Hyperthyroxinemia, dystransthyretinemic. Last evaluated: 2022-03-15. Review status: criteria provided, single submitter. Criteria: ACMG Guidelines, 2015. Collection method: clinical testing. Allele origin: unknown.

Ambry Genetics
Classification: Uncertain significance for Cardiovascular phenotype. Last evaluated: 2016-11-21. Review status: criteria provided, single submitter. Criteria: Ambry Variant Classification Scheme 2023. Collection method: clinical testing. Allele origin: germline.
Comment: The p.Y136H variant (also known as c.406T>C), located in coding exon 4 of the TTR gene, results from a T to C substitution at nucleotide position 406. The tyrosine at codon 136 is replaced by histidine, an amino acid with similar properties. Based on data from ExAC, the C allele has an overall frequency of approximately 0.008% (1/11214) total alleles studied. The highest observed frequency was <0.01% (1/106194) of Latino alleles. In addition, this alteration is predicted to be deleterious by in silico analysis. Since supporting evidence is limited at this time, the clinical significance of this alteration remains unclear.

Literature cited by the submitters: PubMed 29970125 (cited by Labcorp Genetics (formerly Invitae), Labcorp).

NM_000371.4(TTR):c.406T>C (p.Tyr136His)

Gene: TTR (transthyretin; plus strand). Cytogenetic location: 18q12.1.
Variant type: single nucleotide variant.
Coding change: c.406T>C on transcript NM_000371.4 (MANE Select); coding-DNA position 406, T replaced by C.
Protein change: p.Tyr136His; replaces tyrosine 136 with histidine.
Molecular consequence: missense variant.
Genome position (GRCh38, 1-based): chr18:31,598,637, T>C. VCF-style: chr18-31598637-T-C. GRCh37 (hg19) VCF-style: chr18-29178600-T-C.
Other names: short protein forms Y136H.
Identifiers: ClinVar variation 582458 (VCV000582458.10), dbSNP rs766909913, ClinGen allele CA8928510.